The following is an entry in ClinVar:

NM_002693.3(POLG):c.3395G>A (p.Ser1132Asn)

Gene: POLG (DNA polymerase gamma, catalytic subunit; minus strand). Cytogenetic location: 15q26.1.
Variant type: single nucleotide variant.
Coding change: c.3395G>A on transcript NM_002693.3 (MANE Select); coding-DNA position 3395, G replaced by A.
Protein change: p.Ser1132Asn; replaces serine 1132 with asparagine.
Molecular consequence: missense variant.
Genome position (GRCh38, 1-based): chr15:89,318,628, C>T on the plus strand (G>A on the coding strand, the complement: POLG is on the minus strand). VCF-style: chr15-89318628-C-T. GRCh37 (hg19) VCF-style: chr15-89861859-C-T.
Other names: c.3395G>A, p.Ser1132Asn (NM_001126131.2); short protein forms S1132N.
Identifiers: ClinVar variation 3377428 (VCV003377428.1).

ClinVar aggregate classification (germline): Uncertain significance (1 of 4 stars; one submission).

Conditions:
Mitochondrial disease. Also called: Mitochondrial disorder; Mitochondrial disorders. Identifiers: Orphanet 68380, MedGen C0751651, MeSH D028361, MONDO:0044970.

Submission:

Victorian Clinical Genetics Services, Murdoch Childrens Research Institute
Classification: Uncertain significance for Mitochondrial disease. Last evaluated: 2021-05-06. Review status: criteria provided, single submitter. Criteria: ACMG Guidelines, 2015. Collection method: clinical testing. Allele origin: germline. Inheritance: Autosomal recessive inheritance. Affected: yes.
Comment: Based on the classification scheme VCGS_Germline_v1.3.4, this variant is classified as VUS-3B. Following criteria are met: 0102 - Loss of function is a known mechanism of disease in this gene and is associated with POLG-related mitochondrial disorder. (I) 0108 - This gene is associated with both recessive and dominant disease. Variants are usually inherited in a recessive manner however, progressive external ophthalmoplegia (PEO) can also be dominant when heterozygous variants are located in the highly conserved active site of motif B of the polymerase domain (PMID: 30451971). (I) 0200 - Variant is predicted to result in a missense amino acid change from serine to asparagine. (I) 0251 - This variant is heterozygous. (I) 0301 - Variant is absent from gnomAD (both v2 and v3). (SP) 0501 - Missense variant consistently predicted to be damaging by multiple in silico tools or highly conserved with a major amino acid change. (SP) 0600 - Variant is located in the annotated polymerase domain (NCBI, PDB, PMID: 30451971) (I) 0705 - No comparable missense variants have previous evidence for pathogenicity. (I) 0807 - This variant has no previous evidence of pathogenicity. (I) 0905 - No published segregation evidence has been identified for this variant. (I) 1007 - No published functional evidence has been identified for this variant. (I) 1208 - Inheritance information for this variant is not currently available in this individual. (I) Legend: (SP) - Supporting pathogenic, (I) - Information, (SB) - Supporting benign

Literature cited by the submitters: PubMed 30451971.